The following is an entry in ClinVar:

ClinVar aggregate classification (germline): Likely pathogenic. Review status: criteria provided, multiple submitters, no conflicts (2 of 4 stars). 5 submissions from 5 submitters: Likely pathogenic (4). 1 of the submissions does not count toward it. Last evaluated 2025-09-30.

Conditions:
Cardiovascular phenotype. Identifiers: MedGen CN230736.
Autosomal recessive limb-girdle muscular dystrophy type 2J (LGMDR10). Also called: Limb-girdle muscular dystrophy, type 2J; MUSCULAR DYSTROPHY, LIMB-GIRDLE, AUTOSOMAL RECESSIVE 10. Identifiers: Orphanet 140922, MedGen C1837342, MONDO:0012127, OMIM 608807.
Dilated cardiomyopathy 1G (CMD1G). Identifiers: Orphanet 154, MedGen C1858763, MONDO:0011400, OMIM 604145.
Early-onset myopathy with fatal cardiomyopathy (CMYO5). Also called: Salih Myopathy; CONGENITAL MYOPATHY 5 WITH CARDIOMYOPATHY. Identifiers: Orphanet 289377, MedGen C2673677, MONDO:0012714, OMIM 611705. Disease mechanism: loss of function.
Cardiomyopathy (CMYO). Also called: Cardiomyopathies. Identifiers: Orphanet 167848, MedGen C0878544, MONDO:0004994, HP:0001638. Inheritance: Various modes of inheritance.

Allele frequency attached by ClinVar (database versions not stated): gnomAD exomes below 0.00001 and 0.00001; ExAC 0.00001.
gnomAD v4.1: 3 of 1,613,346 alleles (0.00019%); highest among the groups gnomAD compares: East Asian, 0.0022%; no homozygotes.

Submissions (5):

Labcorp Genetics (formerly Invitae), Labcorp
Classification: Likely pathogenic for Dilated cardiomyopathy 1G; Autosomal recessive limb-girdle muscular dystrophy type 2J. Last evaluated: 2025-09-30. Review status: criteria provided, single submitter. Criteria: Invitae Variant Classification Sherloc (09022015). Collection method: clinical testing. Allele origin: germline.
Comment: This sequence change creates a premature translational stop signal (p.Arg19399*) in the TTN gene. While this is not anticipated to result in nonsense mediated decay, it is expected to create a truncated TTN protein. The frequency data for this variant in the population databases is considered unreliable, as metrics indicate poor data quality at this position in the gnomAD database. This variant has not been reported in the literature in individuals affected with TTN-related conditions. ClinVar contains an entry for this variant (Variation ID: 432196). This variant is located in the A band of TTN (PMID: 25589632). Truncating variants in this region are significantly overrepresented in patients affected with dilated cardiomyopathy (PMID: 25589632). Truncating variants in this region have also been reported in individuals affected with autosomal recessive centronuclear myopathy (PMID: 23975875). In summary, the currently available evidence indicates that the variant is pathogenic, but additional data are needed to prove that conclusively. Therefore, this variant has been classified as Likely Pathogenic.

GeneDx
Classification: Likely pathogenic. Last evaluated: 2024-12-13. Review status: criteria provided, single submitter. Criteria: GeneDx Variant Classification Process June 2021. Collection method: clinical testing. Allele origin: germline. Affected: yes.
Comment: Nonsense variant predicted to result in protein truncation or nonsense mediated decay in a gene for which loss of function is a known mechanism of disease; Not observed at significant frequency in large population cohorts (gnomAD); Located in the A-band region of TTN in which the majority of loss of function variants have been associated with autosomal dominant titinopathies (PMID: 22335739); This variant is associated with the following publications: (PMID: 23975875, 36264615)

Molecular Diagnostic Laboratory for Inherited Cardiovascular Disease, Montreal Heart Institute
Classification: Likely pathogenic for Cardiovascular phenotype. Last evaluated: 2024-02-07. Review status: criteria provided, single submitter. Criteria: ACMG Guidelines, 2015. Collection method: clinical testing. Allele origin: germline. Affected: yes.
Comment: PVS1, PM2

Broad Center for Mendelian Genomics, Broad Institute of MIT and Harvard
Classification: Likely pathogenic for Early-onset myopathy with fatal cardiomyopathy. Review status: criteria provided, single submitter. Criteria: ACMG Guidelines, 2015. Collection method: research. Allele origin: germline. Inheritance: Autosomal recessive inheritance. Affected: yes. Observed: 1 variant allele, 1 compound heterozygote. Study: Broad Institute Center for Mendelian Genomics (CMG).
Comment: The phase of these variants are unknown at this time. The p.Arg19399Ter variant has not been previously reported in the literature in individuals with TTN-related myopathy, but has been identified in 0.002% (1/44668) of East Asian chromosomes by the Genome Aggregation Database (gnomAD; dbSNP rs768073446). Although this variant has been seen in the general population in a heterozygous state, its frequency is low enough to be consistent with a recessive carrier frequency. This variant has also been reported in ClinVar (Variation ID: 432196) and has been interpreted as likely pathogenic by Labcorp (formerly Invitae) and GeneDx, and a variant of uncertain significance by CHEO Genetics Diagnostic Laboratory, Children's Hospital of Eastern Ontario. This nonsense variant leads to a premature termination codon at position 19339 which is predicted to lead to a truncated or absent protein. Loss of function of the TTN gene is an established disease mechanism in autosomal recessive early onset myopathy. Multiple variants in the same region as p.Arg19399Ter have been reported in association with disease in TTN-related myopathy, suggesting that this variant is in a hot spot and slightly supports pathogenicity. In summary, although additional studies are required to fully establish its clinical significance, this variant is likely pathogenic for autosomal recessive early onset myopathy. ACMG/AMP Criteria applied: PVS1, PM1_supporting, PM2_supporting (Richards 2015).

CHEO Genetics Diagnostic Laboratory, Children's Hospital of Eastern Ontario
Classification: Uncertain significance for Cardiomyopathy. Last evaluated: 2020-01-24. Review status: flagged submission. Criteria: ACMG Guidelines, 2015. Collection method: clinical testing. Allele origin: germline. Not counted in ClinVar's aggregate classification.
ClinVar note: Reason: Older and outlier claim with insufficient supporting evidence

Literature cited by the submitters: PubMed 25589632 (cited by Labcorp Genetics (formerly Invitae), Labcorp); PubMed 23975875 (cited by Labcorp Genetics (formerly Invitae), Labcorp).

NM_001267550.2(TTN):c.58195C>T (p.Arg19399Ter)

Genes: TTN (titin; minus strand), TTN-AS1 (TTN antisense RNA 1; plus strand). Cytogenetic location: 2q31.2.
Variant type: single nucleotide variant.
Coding change: c.58195C>T on transcript NM_001267550.2 (MANE Select); coding-DNA position 58195, C replaced by T.
Protein change: p.Arg19399Ter; replaces arginine 19399 with a stop codon.
Molecular consequence: nonsense.
Genome position (GRCh38, 1-based): chr2:178,594,198, G>A on the plus strand (C>T on the coding strand, the complement: TTN is on the minus strand). VCF-style: chr2-178594198-G-A. GRCh37 (hg19) VCF-style: chr2-179458925-G-A.
Other names: c.53272C>T, p.Arg17758Ter (NM_001256850.1); c.31000C>T, p.Arg10334Ter (NM_003319.4); c.50491C>T, p.Arg16831Ter (NM_133378.4); c.31375C>T, p.Arg10459Ter (NM_133432.3); c.31576C>T, p.Arg10526Ter (NM_133437.4); c.58195C>T (NM_001267550.1); short protein forms R17758*, R19399*, R10459*, R10334*, R10526*, R16831*.
Identifiers: ClinVar variation 432196 (VCV000432196.16), dbSNP rs768073446, ClinGen allele CA1992898.